The following is an entry in ClinVar:

NM_001005273.3(CHD3):c.2503G>A (p.Asp835Asn)

Gene: CHD3 (chromodomain helicase DNA binding protein 3; plus strand). Cytogenetic location: 17p13.1.
Variant type: single nucleotide variant.
Coding change: c.2503G>A on transcript NM_001005273.3 (MANE Select); coding-DNA position 2503, G replaced by A.
Protein change: p.Asp835Asn; replaces aspartic acid 835 with asparagine.
Molecular consequence: missense variant.
Genome position (GRCh38, 1-based): chr17:7,899,502, G>A. VCF-style: chr17-7899502-G-A. GRCh37 (hg19) VCF-style: chr17-7802820-G-A.
Other names: c.2680G>A, p.Asp894Asn (NM_001005271.3, NM_001437504.1); c.2668G>A, p.Asp890Asn (NM_001437507.1, NM_001437508.1, NM_001437509.1); c.2503G>A, p.Asp835Asn (NM_005852.4); short protein forms D835N, D890N, D894N.
Identifiers: ClinVar variation 4527063 (VCV004527063.1).

ClinVar aggregate classification (germline): Uncertain significance (1 of 4 stars; one submission).

Submission:

GeneDx
Classification: Uncertain significance. Last evaluated: 2025-05-05. Review status: criteria provided, single submitter. Criteria: GeneDx Variant Classification Process June 2021. Collection method: clinical testing. Allele origin: germline. Affected: yes.
Comment: Not observed at significant frequency in large population cohorts (gnomAD); In silico analysis supports that this missense variant has a deleterious effect on protein structure/function; Has not been previously published as pathogenic or benign to our knowledge